The following is an entry in ClinVar:

NM_031844.3(HNRNPU):c.1238A>G (p.Glu413Gly)

Gene: HNRNPU (heterogeneous nuclear ribonucleoprotein U; minus strand). Cytogenetic location: 1q44.
Variant type: single nucleotide variant.
Coding change: c.1238A>G on transcript NM_031844.3 (MANE Select); coding-DNA position 1238, A replaced by G.
Protein change: p.Glu413Gly; replaces glutamic acid 413 with glycine.
Molecular consequence: missense variant.
Genome position (GRCh38, 1-based): chr1:244,858,267, T>C on the plus strand (A>G on the coding strand, the complement: HNRNPU is on the minus strand). VCF-style: chr1-244858267-T-C. GRCh37 (hg19) VCF-style: chr1-245021569-T-C.
Other names: c.1181A>G, p.Glu394Gly (NM_004501.3); c.1238A>G (NM_031844.2); short protein forms E413G, E394G.
Identifiers: ClinVar variation 1412263 (VCV001412263.9), dbSNP rs1290271612, ClinGen allele CA345492071.
Genomic context (GRCh38, chr1:244,858,267, plus strand): 5'-TTGAAGGCAACGCCAAGATCTTGTCCATTCTTAGCATACGAGAGTTCTACTTCATCACTT[T>C]CAAAGTTCTGTTACACAGAAAAAAATTCAACAGTTAAAATCTGCTTCCTTAAACTTTCTA-3'
Protein context (NP_114032.2, residues 403-423): NDVITCFANF[Glu413Gly]SDEVELSYAK

ClinVar aggregate classification (germline): Uncertain significance. Review status: criteria provided, multiple submitters, no conflicts (2 of 4 stars). 2 submissions from 2 submitters: Uncertain significance (2). Last evaluated 2026-06-24.

Conditions:
Developmental and epileptic encephalopathy, 54. Also called: Epileptic encephalopathy, early infantile, 54; HNRNPU-Related Neurodevelopmental Disorder. Identifiers: MedGen C4479319, MONDO:0033363, OMIM 617391.
Inborn genetic diseases. Identifiers: MedGen C0950123, MeSH D030342.

Allele frequency attached by ClinVar (database versions not stated): TOPMed 0.00001; gnomAD 0.00001.

Submissions (2):

Ambry Genetics
Classification: Uncertain significance for Inborn genetic diseases. Last evaluated: 2026-06-24. Review status: criteria provided, single submitter. Criteria: Ambry Variant Classification Scheme 2023. Collection method: clinical testing. Allele origin: germline.
Comment: The c.1238A>G (p.E413G) alteration is located in exon 7 (coding exon 7) of the HNRNPU gene. This alteration results from a A to G substitution at nucleotide position 1238, causing the glutamic acid (E) at amino acid position 413 to be replaced by a glycine (G). Based on data from gnomAD, the G allele has an overall frequency of 0.003% (1/31400) total alleles studied. The highest observed frequency was 0.012% (1/8712) of African alleles. Based on insufficient or conflicting evidence, the clinical significance of this alteration remains unclear.

Labcorp Genetics (formerly Invitae), Labcorp
Classification: Uncertain significance for Developmental and epileptic encephalopathy, 54. Last evaluated: 2024-12-16. Review status: criteria provided, single submitter. Criteria: Invitae Variant Classification Sherloc (09022015). Collection method: clinical testing. Allele origin: germline.
Comment: This sequence change replaces glutamic acid, which is acidic and polar, with glycine, which is neutral and non-polar, at codon 413 of the HNRNPU protein (p.Glu413Gly). This variant is present in population databases (no rsID available, gnomAD 0.01%). This variant has not been reported in the literature in individuals affected with HNRNPU-related conditions. ClinVar contains an entry for this variant (Variation ID: 1412263). Invitae Evidence Modeling of protein sequence and biophysical properties (such as structural, functional, and spatial information, amino acid conservation, physicochemical variation, residue mobility, and thermodynamic stability) indicates that this missense variant is not expected to disrupt HNRNPU protein function with a negative predictive value of 95%. In summary, the available evidence is currently insufficient to determine the role of this variant in disease. Therefore, it has been classified as a Variant of Uncertain Significance.